The following is an entry in ClinVar:

ClinVar aggregate classification (germline): Uncertain significance (1 of 4 stars; one submission).

Allele frequency attached by ClinVar (database versions not stated): TOPMed below 0.00001; gnomAD 0.00001; gnomAD exomes 0.00001.
gnomAD v4.1: 11 of 1,614,024 alleles (0.00068%); highest among the groups gnomAD compares: Admixed American, 0.0017%; no homozygotes.

Submission:

Labcorp Genetics (formerly Invitae), Labcorp
Classification: Uncertain significance. Last evaluated: 2024-10-25. Review status: criteria provided, single submitter. Criteria: Invitae Variant Classification Sherloc (09022015). Collection method: clinical testing. Allele origin: germline.
Comment: This sequence change replaces glutamic acid, which is acidic and polar, with glycine, which is neutral and non-polar, at codon 66 of the NSUN3 protein (p.Glu66Gly). This variant is present in population databases (no rsID available, gnomAD 0.007%). This variant has not been reported in the literature in individuals affected with NSUN3-related conditions. ClinVar contains an entry for this variant (Variation ID: 1902613). An algorithm developed to predict the effect of missense changes on protein structure and function (PolyPhen-2) suggests that this variant is likely to be disruptive. In summary, the available evidence is currently insufficient to determine the role of this variant in disease. Therefore, it has been classified as a Variant of Uncertain Significance.

NM_022072.5(NSUN3):c.197A>G (p.Glu66Gly)

Gene: NSUN3 (NOP2/Sun RNA methyltransferase 3; plus strand). Cytogenetic location: 3q11.2.
Variant type: single nucleotide variant.
Coding change: c.197A>G on transcript NM_022072.5 (MANE Select); coding-DNA position 197, A replaced by G.
Protein change: p.Glu66Gly; replaces glutamic acid 66 with glycine.
Molecular consequence: missense variant.
Genome position (GRCh38, 1-based): chr3:94,084,181, A>G. VCF-style: chr3-94084181-A-G. GRCh37 (hg19) VCF-style: chr3-93803025-A-G.
Other names: short protein forms E66G.
Identifiers: ClinVar variation 1902613 (VCV001902613.5), dbSNP rs1212198438, ClinGen allele CA353704373.